The following is an entry in ClinVar:

NM_000057.4(BLM):c.1093_1096del (p.Arg364_Gln365insTer)

Gene: BLM (BLM RecQ like helicase; plus strand). Cytogenetic location: 15q26.1.
Variant type: Deletion.
Coding change: c.1093_1096del on transcript NM_000057.4 (MANE Select); coding-DNA positions 1093 to 1096, 4 bases deleted (CAGA; older notation c.1093_1096delCAGA).
Protein change: p.Arg364_Gln365insTer.
Molecular consequence: nonsense. On other transcripts: 5 prime UTR variant (1).
Genome position (GRCh38, 1-based): chr15:90,760,152-90,760,155, CAGA deleted; deleting any 4 consecutive bases within chr15:90,760,149-90,760,155 gives the same sequence; the c. name uses the placement nearest the transcript's 3' end. VCF-style (leftmost placement, unchanged base first): chr15-90760148-TAGAC-T. GRCh37 (hg19) VCF-style: chr15-91303378-TAGAC-T.
Other names: c.1093_1096del, p.Arg364_Gln365insTer (NM_001287246.2, NM_001287247.2); c.-33_-30del (NM_001287248.2).
Identifiers: ClinVar variation 1453916 (VCV001453916.6), dbSNP rs2151157115, ClinGen allele CA2573151424.

ClinVar aggregate classification (germline): Pathogenic (1 of 4 stars; one submission).

Conditions:
Bloom syndrome (BLM). Also called: Bloom-Torre-Machacek syndrome. Identifiers: Orphanet 125, MedGen C0005859, MONDO:0008876, OMIM 210900.

Submission:

Labcorp Genetics (formerly Invitae), Labcorp
Classification: Pathogenic for Bloom syndrome. Last evaluated: 2022-01-11. Review status: criteria provided, single submitter. Criteria: Invitae Variant Classification Sherloc (09022015). Collection method: clinical testing. Allele origin: germline.
Comment: For these reasons, this variant has been classified as Pathogenic. This variant has not been reported in the literature in individuals affected with BLM-related conditions. This variant is not present in population databases (gnomAD no frequency). This sequence change creates a premature translational stop signal (p.Gln365*) in the BLM gene. It is expected to result in an absent or disrupted protein product. Loss-of-function variants in BLM are known to be pathogenic (PMID: 17407155).

Literature cited by the submitters: PubMed 17407155.